The following is an entry in ClinVar:

NM_001042424.3(NSD2):c.178G>A (p.Gly60Arg)

Gene: NSD2 (nuclear receptor binding SET domain protein 2; plus strand). Cytogenetic location: 4p16.3.
Variant type: single nucleotide variant.
Coding change: c.178G>A on transcript NM_001042424.3 (MANE Select); coding-DNA position 178, G replaced by A.
Protein change: p.Gly60Arg; replaces glycine 60 with arginine.
Molecular consequence: missense variant.
Genome position (GRCh38, 1-based): chr4:1,900,832, G>A. VCF-style: chr4-1900832-G-A. GRCh37 (hg19) VCF-style: chr4-1902559-G-A.
Other names: c.178G>A, p.Gly60Arg (NM_007331.2, NM_133330.3, NM_133331.3 and 2 more transcripts); short protein forms G60R.
Identifiers: ClinVar variation 3376321 (VCV003376321.1).

ClinVar aggregate classification (germline): Uncertain significance (1 of 4 stars; one submission).

Conditions:
Rauch-Steindl syndrome (RAUST). Identifiers: Orphanet 659642, MedGen C5562061, MONDO:0859219, OMIM 619695.

gnomAD v4.1: 19 of 1,613,804 alleles (0.0012%); highest among the groups gnomAD compares: Non-Finnish European, 0.0015%; no homozygotes.

Submission:

Pittsburgh Clinical Genomics Laboratory, University of Pittsburgh Medical Center
Classification: Uncertain significance for Rauch-Steindl syndrome. Last evaluated: 2023-05-30. Review status: criteria provided, single submitter. Criteria: ACMG Guidelines, 2015. Collection method: clinical testing. Allele origin: germline. Inheritance: Autosomal dominant inheritance. Affected: yes.
Comment: This sequence variant is a single nucleotide substitution (G>A) at position 178 of the coding sequence of the NSD2 gene that results in a glycine to arginine amino acid change at residue 60 of the nuclear receptor binding SET domain protein 2 protein. This variant is absent from ClinVar and has not been observed in the published literature in individuals with NSD2-related disorder, to our knowledge. This variant is present in 1 of 250820 alleles (0.0004%) in the gnomAD population dataset. Multiple bioinformatic tools predict that this glycine to arginine amino acid change would be damaging, and the Gly60 residue at this position is highly conserved across the vertebrate species examined. Studies examining the functiol consequence of this variant have not been performed, to our knowledge. At this time, there is insufficient evidence to determine if this variant is pathogenic or benign. Therefore, we consider this to be a variant of uncertain significance. ACMG Criteria: PM2, PP3